The following is an entry in ClinVar:

ClinVar aggregate classification (germline): Uncertain significance (1 of 4 stars; one submission).

Conditions:
Inborn genetic diseases. Identifiers: MedGen C0950123, MeSH D030342.

gnomAD v4.1: 7 of 1,612,234 alleles (0.00043%); highest among the groups gnomAD compares: Admixed American, 0.01%; 1 homozygote.

Submission:

Ambry Genetics
Classification: Uncertain significance for Inborn genetic diseases. Last evaluated: 2025-08-22. Review status: criteria provided, single submitter. Criteria: Ambry Variant Classification Scheme 2023. Collection method: clinical testing. Allele origin: germline.
Comment: The p.L243P variant (also known as c.728T>C), located in coding exon 7 of the CEP57 gene, results from a T to C substitution at nucleotide position 728. The leucine at codon 243 is replaced by proline, an amino acid with similar properties. This amino acid position is conserved. In addition, the in silico prediction for this alteration is inconclusive. Based on the available evidence, the clinical significance of this variant remains unclear.

NM_014679.5(CEP57):c.728T>C (p.Leu243Pro)

Gene: CEP57 (centrosomal protein 57; plus strand). Cytogenetic location: 11q21.
Variant type: single nucleotide variant.
Coding change: c.728T>C on transcript NM_014679.5 (MANE Select); coding-DNA position 728, T replaced by C.
Protein change: p.Leu243Pro; replaces leucine 243 with proline.
Molecular consequence: missense variant. On other transcripts: intron variant (5).
Genome position (GRCh38, 1-based): chr11:95,821,899, T>C. VCF-style: chr11-95821899-T-C. GRCh37 (hg19) VCF-style: chr11-95555063-T-C.
Other names: c.701T>C, p.Leu234Pro (NM_001243776.2); c.728T>C, p.Leu243Pro (NM_001243777.2); c.647T>C, p.Leu216Pro (NM_001363604.2, NM_001440869.1, NM_001440870.1); c.611T>C, p.Leu204Pro (NM_001440872.1, NM_001440876.1); c.548T>C, p.Leu183Pro (NM_001440873.1); c.530T>C, p.Leu177Pro (NM_001440877.1, NM_001440878.1); c.467T>C, p.Leu156Pro (NM_001440880.1); c.431T>C, p.Leu144Pro (NM_001440881.1); and 5 more; short protein forms L156P, L177P, L216P, L144P, L183P, L204P, L234P, L243P.
Identifiers: ClinVar variation 4226384 (VCV004226384.1).
Genomic context (GRCh38, chr11:95,821,899, plus strand): 5'-CAGCATTAACTTGAGGCTCTCATTTTTCCTAGTTGCAGACTGGTCTAGAAACAAATAGAC[T>C]TATCTTTGAAGATAAGGCAACTCCGTGTGTTCCCAATGCAAGAAGAATTAAAAAAAAGAA-3'
Protein context (NP_055494.2, residues 233-253): ELQTGLETNR[Leu243Pro]IFEDKATPCV